The following is an entry in ClinVar:

ClinVar aggregate classification (germline): Uncertain significance. Review status: criteria provided, single submitter (1 of 4 stars). 2 submissions from 2 submitters: Uncertain significance (1). 1 of the submissions does not count toward it. Last evaluated 2024-02-05.

Conditions:
Inborn genetic diseases. Identifiers: MedGen C0950123, MeSH D030342.
Pulmonary fibrosis. Identifiers: MedGen C0034069, MONDO:0002771, HP:0002206.

Allele frequency attached by ClinVar (database versions not stated): gnomAD exomes 0.00001.
gnomAD v4.1: 10 of 1,613,528 alleles (0.00062%); highest among the groups gnomAD compares: African/African-American, 0.0013%; no homozygotes.

Submissions (2):

Ambry Genetics
Classification: Uncertain significance for Inborn genetic diseases. Last evaluated: 2024-02-05. Review status: criteria provided, single submitter. Criteria: Ambry Variant Classification Scheme 2023. Collection method: clinical testing. Allele origin: germline.

Garcia Pulmonary Genetics Research Laboratory, Columbia University Irving Medical Center
Classification: Likely risk allele for Pulmonary fibrosis. Last evaluated: 2022-06-09. Review status: no assertion criteria provided. Collection method: research. Allele origin: germline. Affected: yes. Not counted in ClinVar's aggregate classification.
Comment: Leukocyte telomere length (by qPCR) less than 10th percentile age-adjusted

NM_002582.4(PARN):c.1355T>C (p.Phe452Ser)

Gene: PARN (poly(A)-specific ribonuclease; minus strand). Cytogenetic location: 16p13.12.
Variant type: single nucleotide variant.
Coding change: c.1355T>C on transcript NM_002582.4 (MANE Select); coding-DNA position 1355, T replaced by C.
Protein change: p.Phe452Ser; replaces phenylalanine 452 with serine.
Molecular consequence: missense variant.
Genome position (GRCh38, 1-based): chr16:14,554,115, A>G on the plus strand (T>C on the coding strand, the complement: PARN is on the minus strand). VCF-style: chr16-14554115-A-G. GRCh37 (hg19) VCF-style: chr16-14647972-A-G.
Other names: p.Phe391Ser; c.1172T>C, p.Phe391Ser (NM_001134477.3); c.1217T>C, p.Phe406Ser (NM_001242992.2); c.1355T>C (NM_002582.3); short protein forms F391S, F406S, F452S.
Identifiers: ClinVar variation 1695925 (VCV001695925.2), dbSNP rs1460466387, ClinGen allele CA394811973.